The following is an entry in ClinVar:

NM_001321075.3(DLG4):c.1434dup (p.Asp479Ter)

Gene: DLG4 (discs large MAGUK scaffold protein 4; minus strand). Cytogenetic location: 17p13.1.
Variant type: Duplication.
Coding change: c.1434dup on transcript NM_001321075.3 (MANE Select); coding-DNA position 1434, one base duplicated (T; older notation c.1434dupT).
Protein change: p.Asp479Ter; replaces aspartic acid 479 with a stop codon.
Molecular consequence: nonsense. On other transcripts: frameshift variant (1), non-coding transcript variant (1).
Genome position (GRCh38, 1-based): chr17:7,194,363, A duplicated on the plus strand (T on the coding strand, the reverse complement: DLG4 is on the minus strand). VCF-style (leftmost placement, unchanged base first): chr17-7194362-C-CA. GRCh37 (hg19) VCF-style: chr17-7097681-C-CA.
Other names: c.1425dup, p.Asp476Ter (NM_001128827.4); c.1554dup, p.Asp519Ter (NM_001321074.1); c.1254dup, p.Asp419Ter (NM_001321076.3, NM_001321077.3); c.1563dup, p.Asp522Terfs (NM_001365.5); c.1353dup, p.Asp452Ter (NM_001369566.3); c.1563dupT (NM_001365.4); short protein forms D419*, D452*, D476*, D479*, D519*, D522*.
Identifiers: ClinVar variation 987193 (VCV000987193.5), dbSNP rs2069660959, ClinGen allele CA1139665101.

ClinVar aggregate classification (germline): Pathogenic/Likely pathogenic. Review status: criteria provided, multiple submitters, no conflicts (2 of 4 stars). 4 submissions from 4 submitters: Pathogenic (3); Likely pathogenic (1). Last evaluated 2026-06-05.

Conditions:
DLG4-related disorder. Also called: DLG4-related condition.
Intellectual developmental disorder 62. Also called: INTELLECTUAL DEVELOPMENTAL DISORDER, AUTOSOMAL DOMINANT 62; MENTAL RETARDATION, AUTOSOMAL DOMINANT 62. Identifiers: MedGen C5394083, MONDO:0032919, OMIM 618793.

Submissions (4):

PreventionGenetics, part of Exact Sciences
Classification: Pathogenic for DLG4-related condition. Last evaluated: 2026-06-05. Review status: criteria provided, single submitter. Criteria: ACMG Guidelines, 2015. Collection method: clinical testing. Allele origin: germline.
Comment: The DLG4 c.1563dupT variant is predicted to result in premature protein termination (p.Asp522*). This variant was reported as de novo in a child with global developmental delay, hypotonia, and mild intellectual disability (Individual 32, Table S3, Rodríguez-Palmero et al. 2021. PubMed ID: 33597769). This variant has not been reported in a large population database (gnomAD), indicating this variant is rare. Nonsense variants in DLG4 are expected to be pathogenic. This variant is interpreted as pathogenic.

Tumer Group, Copenhagen University Hospital, Rigshospitalet
Classification: Pathogenic for Intellectual developmental disorder 62. Last evaluated: 2023-02-28. Review status: criteria provided, single submitter. Criteria: ACMG Guidelines, 2015. Collection method: research. Allele origin: de novo. Affected: yes.

Institute of Human Genetics, University of Leipzig Medical Center
Classification: Pathogenic for Intellectual developmental disorder 62. Last evaluated: 2021-12-21. Review status: criteria provided, single submitter. Criteria: ACMG Guidelines, 2015. Collection method: research. Allele origin: de novo. Affected: yes.

Institute of Medical Genetics and Applied Genomics, University Hospital Tübingen
Classification: Likely pathogenic. Last evaluated: 2020-10-23. Review status: criteria provided, single submitter. Criteria: ACMG Guidelines, 2015. Collection method: clinical testing. Allele origin: germline. Inheritance: Unknown mechanism. Affected: yes.

Literature cited by the submitters: PubMed 33597769 (cited by Institute of Human Genetics, University of Leipzig Medical Center).